The following is an entry in ClinVar:

NM_014845.6(FIG4):c.2316_2317del (p.Gln774fs)

Gene: FIG4 (FIG4 phosphoinositide 5-phosphatase; plus strand). Cytogenetic location: 6q21.
Variant type: Microsatellite.
Coding change: c.2316_2317del on transcript NM_014845.6 (MANE Select); coding-DNA positions 2316 to 2317, 2 bases deleted (GT; older notation c.2316_2317delGT).
Protein change: p.Gln774fs; shifts the reading frame from glutamine 774.
Molecular consequence: frameshift variant.
Genome position (GRCh38, 1-based): chr6:109,791,511-109,791,512, GT deleted; deleting any 2 consecutive bases within chr6:109,791,508-109,791,512 gives the same sequence; the c. name uses the placement nearest the transcript's 3' end. VCF-style (leftmost placement, unchanged base first): chr6-109791507-CTG-C. GRCh37 (hg19) VCF-style: chr6-110112710-CTG-C.
Other names: c.2314_2315GT[1], p.Gln774Alafs (NM_014845.5); c.2316_2317delGT (NM_014845.5); short protein forms Q774fs.
Identifiers: ClinVar variation 3030421 (VCV003030421.2), dbSNP rs1359777462, ClinGen allele CA570036228.
Genomic context (GRCh38, chr6:109,791,507, plus strand): 5'-AGGAGGCTGTGTCCAGCAGCTCTGAGGATGACTCTGGGACTGATCGGGAAGAAGAGGGCT[CTG>C]TGTCTCAGCGCTCCACTCCCGTGAAGATGACTGATGCAGGAGACAGTGCCAAAGTGACCG-3'

ClinVar aggregate classification (germline): Likely pathogenic (0 of 4 stars; one submission).

Conditions:
FIG4-related disorder. Also called: FIG4-related condition; FIG4-related disorders.

Submission:

PreventionGenetics, part of Exact Sciences
Classification: Likely pathogenic for FIG4-related condition. Last evaluated: 2024-01-11. Review status: no assertion criteria provided. Collection method: clinical testing. Allele origin: germline.
Comment: The FIG4 c.2316_2317delGT variant is predicted to result in a frameshift and premature protein termination (p.Gln774Alafs*9). To our knowledge, this variant has not been reported in the literature. This variant is reported in 0.0033% of alleles in individuals of South Asian descent in gnomAD. Frameshift variants in FIG4 are expected to be pathogenic for autosomal recessive FIG4-related disorders. This variant is interpreted as likely pathogenic.